The following is an entry in ClinVar:

NM_006852.6(TLK2):c.681C>T (p.Asp227=)

Gene: TLK2 (tousled like kinase 2; plus strand). Cytogenetic location: 17q23.2.
Variant type: single nucleotide variant.
Coding change: c.681C>T on transcript NM_006852.6 (MANE Select); coding-DNA position 681, C replaced by T.
Protein change: p.Asp227=; no amino-acid change (aspartic acid 227 retained).
Molecular consequence: synonymous variant. On other transcripts: intron variant (2).
Genome position (GRCh38, 1-based): chr17:62,553,716, C>T. VCF-style: chr17-62553716-C-T. GRCh37 (hg19) VCF-style: chr17-60631077-C-T.
Other names: c.681C>T, p.Asp227= (NM_001375270.1, NM_001375271.1, NM_001284333.3); c.585C>T, p.Asp195= (NM_001375272.1, NM_001438203.1, NM_001438204.1 and 1 more transcripts); c.234C>T, p.Asp78= (NM_001375273.1, NM_001330418.3); c.436-6300C>T (NM_001411074.1); c.532-6300C>T (NM_001438205.1); c.723C>T, p.Asp241= (NM_001375269.1).
Identifiers: ClinVar variation 4874919 (VCV004874919.2).

ClinVar aggregate classification (germline): Likely benign (1 of 4 stars; one submission).

gnomAD v4.1: 19 of 1,610,872 alleles (0.0012%); highest among the groups gnomAD compares: Admixed American, 0.032%; no homozygotes.

Submission:

CeGaT Center for Human Genetics Tuebingen
Classification: Likely benign. Last evaluated: 2026-05-01. Review status: criteria provided, single submitter. Criteria: CeGaT Center For Human Genetics Tuebingen Variant Classification Criteria Version 2. Collection method: clinical testing. Allele origin: germline. Affected: yes. Observed: 1 variant allele.
Comment: TLK2: BP4, BP7